The following is an entry in ClinVar:

ClinVar aggregate classification (germline): Conflicting classifications of pathogenicity. Review status: criteria provided, conflicting classifications (1 of 4 stars). 5 submissions from 5 submitters: Pathogenic (2); Likely pathogenic (1); Uncertain significance (2). Last evaluated 2026-09-09.

Conditions:
ACAN-related disorder. Also called: ACAN-related condition; ACAN-related disorders.

Allele frequency attached by ClinVar (database versions not stated): TOPMed 0.00003.

Submissions (5):

PreventionGenetics, part of Exact Sciences
Classification: Likely pathogenic for ACAN-related condition. Last evaluated: 2026-09-09. Review status: criteria provided, single submitter. Criteria: ACMG Guidelines, 2015. Collection method: clinical testing. Allele origin: germline.
Comment: The ACAN c.7398T>G variant is predicted to result in premature protein termination (p.Tyr2466*). To our knowledge, this variant has not been reported in the literature or in a large population database (gnomAD), indicating this variant is rare. Nonsense variants in ACAN are expected to be pathogenic. This variant is interpreted as likely pathogenic.

Labcorp Genetics (formerly Invitae), Labcorp
Classification: Pathogenic. Last evaluated: 2026-01-26. Review status: criteria provided, single submitter. Criteria: Invitae Variant Classification Sherloc (09022015). Collection method: clinical testing. Allele origin: germline.
Comment: This sequence change creates a premature translational stop signal (p.Tyr2466*) in the ACAN gene. It is expected to result in an absent or disrupted protein product. Loss-of-function variants in ACAN are known to be pathogenic (PMID: 16080123, 24762113). This variant is not present in population databases (gnomAD no frequency). This variant has not been reported in the literature in individuals affected with ACAN-related conditions. ClinVar contains an entry for this variant (Variation ID: 595661). For these reasons, this variant has been classified as Pathogenic.

Women's Health and Genetics/Laboratory Corporation of America, LabCorp
Classification: Pathogenic for ACAN-Related Disorders. Last evaluated: 2025-11-10. Review status: criteria provided, single submitter. Criteria: LabCorp Variant Classification Summary - May 2015. Collection method: clinical testing. Allele origin: germline.
Comment: Variant summary: ACAN c.7512T>G (p.Tyr2504X) results in a premature termination codon, predicted to cause a truncation of the encoded protein or absence of the protein due to nonsense mediated decay, which are commonly known mechanisms for disease. The variant was absent in 248922 control chromosomes. To our knowledge, no occurrence of c.7512T>G in individuals affected with ACAN-related conditions and no experimental evidence demonstrating its impact on protein function have been reported. ClinVar contains an entry for this variant (Variation ID: 595661). Based on the evidence outlined above, the variant was classified as pathogenic.

Greenwood Genetic Center Diagnostic Laboratories, Greenwood Genetic Center
Classification: Uncertain significance. Last evaluated: 2023-09-18. Review status: criteria provided, single submitter. Criteria: ACMG Guidelines, 2015. Collection method: clinical testing. Allele origin: germline. Affected: yes.
Comment: PM2

Eurofins Ntd Llc (ga)
Classification: Uncertain significance. Last evaluated: 2018-01-23. Review status: criteria provided, single submitter. Criteria: EGL Classification Definitions 2015. Collection method: clinical testing. Allele origin: germline. Observed: 1 variant allele, 1 heterozygote.

Literature cited by the submitters: PubMed 16080123 (cited by Labcorp Genetics (formerly Invitae), Labcorp); PubMed 24762113 (cited by Labcorp Genetics (formerly Invitae), Labcorp).

NM_001369268.1(ACAN):c.7512T>G (p.Tyr2504Ter)

Gene: ACAN (aggrecan; plus strand). Cytogenetic location: 15q26.1.
Variant type: single nucleotide variant.
Coding change: c.7512T>G on transcript NM_001369268.1 (MANE Select); coding-DNA position 7512, T replaced by G.
Protein change: p.Tyr2504Ter; replaces tyrosine 2504 with a stop codon.
Molecular consequence: nonsense. On other transcripts: intron variant (1).
Genome position (GRCh38, 1-based): chr15:88,873,906, T>G. VCF-style: chr15-88873906-T-G. GRCh37 (hg19) VCF-style: chr15-89417137-T-G.
Other names: c.7398T>G, p.Tyr2466Ter (NM_013227.4); c.7220-499T>G (NM_001135.4); c.7398T>G (NM_013227.3); short protein forms Y2466*, Y2504*.
Identifiers: ClinVar variation 595661 (VCV000595661.11), dbSNP rs1567195445, ClinGen allele CA393731127.